The following is an entry in ClinVar:

NM_000535.7(PMS2):c.1575G>T (p.Gly525=)

Gene: PMS2 (PMS1 homolog 2, mismatch repair system component; minus strand). Cytogenetic location: 7p22.1.
Variant type: single nucleotide variant.
Coding change: c.1575G>T on transcript NM_000535.7 (MANE Select); coding-DNA position 1575, G replaced by T.
Protein change: p.Gly525=; no amino-acid change (glycine 525 retained).
Molecular consequence: synonymous variant. On other transcripts: non-coding transcript variant (1).
Genome position (GRCh38, 1-based): chr7:5,987,190, C>A on the plus strand (G>T on the coding strand, the complement: PMS2 is on the minus strand). VCF-style: chr7-5987190-C-A. GRCh37 (hg19) VCF-style: chr7-6026821-C-A.
Other names: c.1170G>T, p.Gly390= (NM_001322003.2, NM_001322004.2, NM_001322005.2 and 1 more transcripts); c.1419G>T, p.Gly473= (NM_001322006.2); c.1257G>T, p.Gly419= (NM_001322007.2, NM_001322008.2); c.1014G>T, p.Gly338= (NM_001322010.2); c.642G>T, p.Gly214= (NM_001322011.2, NM_001322012.2); c.1002G>T, p.Gly334= (NM_001322013.2); c.1575G>T, p.Gly525= (NM_001322014.2); c.1266G>T, p.Gly422= (NM_001322015.2).
Identifiers: ClinVar variation 1346821 (VCV001346821.12), dbSNP rs1783045939, ClinGen allele CA453747304.

ClinVar aggregate classification (germline): Benign/Likely benign. Review status: criteria provided, multiple submitters, no conflicts (2 of 4 stars). 4 submissions from 4 submitters: Benign (1); Likely benign (3). Last evaluated 2025-01-30.

Conditions:
Hereditary cancer-predisposing syndrome. Also called: Hereditary neoplastic syndrome; Tumor predisposition; Neoplastic Syndromes, Hereditary; Hereditary Cancer Syndrome. Identifiers: Orphanet 140162, MedGen C0027672, MeSH D009386, MONDO:0015356.
Hereditary nonpolyposis colorectal neoplasms. Identifiers: MedGen C0009405, MeSH D003123.
Lynch syndrome. Identifiers: Orphanet 144, MedGen C4552100, MONDO:0005835. Disease mechanism: loss of function.
Lynch syndrome 4 (LYNCH4). Also called: Hereditary non-polyposis colorectal cancer, type 4; Colorectal cancer, hereditary nonpolyposis, type 4. Identifiers: Orphanet 144, MedGen C1838333, MONDO:0013699, OMIM 614337. Disease mechanism: loss of function.

Submissions (4):

Myriad Genetics, Inc.
Classification: Benign for Lynch syndrome 4. Last evaluated: 2025-01-30. Review status: criteria provided, single submitter. Criteria: Myriad Autosomal Dominant, Autosomal Recessive and X-Linked Classification Criteria (2023). Collection method: clinical testing. Allele origin: unknown.
Comment: This variant is considered benign. This variant is a silent/synonymous amino acid change and it is not expected to impact splicing.

Labcorp Genetics (formerly Invitae), Labcorp
Classification: Likely benign for Hereditary nonpolyposis colorectal neoplasms. Last evaluated: 2024-02-17. Review status: criteria provided, single submitter. Criteria: Invitae Variant Classification Sherloc (09022015). Collection method: clinical testing. Allele origin: germline.

All of Us Research Program, National Institutes of Health
Classification: Likely benign for Lynch syndrome. Last evaluated: 2023-11-02. Review status: criteria provided, single submitter. Criteria: ACMG Guidelines, 2015. Collection method: clinical testing. Allele origin: germline. Inheritance: Autosomal dominant inheritance. Observed: 1 variant allele, 1 heterozygote.
Comment: This study involves interpretation of variants in research participants for the purpose of population health screening. Participant phenotype was not available at the time of variant classification. Additional details can be found in publication PMID: 35346344, PMCID: PMC8962531

Ambry Genetics
Classification: Likely benign for Hereditary cancer-predisposing syndrome. Last evaluated: 2020-03-18. Review status: criteria provided, single submitter. Criteria: Ambry Variant Classification Scheme 2023. Collection method: clinical testing. Allele origin: germline.